The following is an entry in ClinVar:

NM_005902.4(SMAD3):c.1072C>T (p.Gln358Ter)

Gene: SMAD3 (SMAD family member 3; plus strand). Cytogenetic location: 15q22.33.
Variant type: single nucleotide variant.
Coding change: c.1072C>T on transcript NM_005902.4 (MANE Select); coding-DNA position 1072, C replaced by T.
Protein change: p.Gln358Ter; replaces glutamine 358 with a stop codon.
Molecular consequence: nonsense.
Genome position (GRCh38, 1-based): chr15:67,187,427, C>T. VCF-style: chr15-67187427-C-T. GRCh37 (hg19) VCF-style: chr15-67479765-C-T.
Other names: c.757C>T, p.Gln253Ter (NM_001145102.2, NM_001407016.1); c.940C>T, p.Gln314Ter (NM_001145103.2, NM_001407012.1); c.487C>T, p.Gln163Ter (NM_001145104.2, NM_001407017.1); c.1183C>T, p.Gln395Ter (NM_001407011.1); c.934C>T, p.Gln312Ter (NM_001407013.1); c.925C>T, p.Gln309Ter (NM_001407014.1); c.625C>T, p.Gln209Ter (NM_001407015.1); short protein forms Q163*, Q253*, Q395*, Q209*, Q312*, Q309*, Q314*, Q358*.
Identifiers: ClinVar variation 3661352 (VCV003661352.2).
Genomic context (GRCh38, chr15:67,187,427, plus strand): 5'-TGCAACCTGAAGATCTTCAACAACCAGGAGTTCGCTGCCCTCCTGGCCCAGTCGGTCAAC[C>T]AGGGCTTTGAGGCTGTCTACCAGTTGACCCGAATGTGCACCATCCGCATGAGCTTCGTCA-3'

ClinVar aggregate classification (germline): Pathogenic (1 of 4 stars; one submission).

Conditions:
Familial thoracic aortic aneurysm and aortic dissection (TAAD). Also called: Thoracic aortic aneurysms and dissections. Identifiers: Orphanet 91387, MedGen C4707243, MONDO:0019625.

Submission:

Labcorp Genetics (formerly Invitae), Labcorp
Classification: Pathogenic for Familial thoracic aortic aneurysm and aortic dissection. Last evaluated: 2025-04-11. Review status: criteria provided, single submitter. Criteria: Invitae Variant Classification Sherloc (09022015). Collection method: clinical testing. Allele origin: germline.
Comment: This sequence change creates a premature translational stop signal (p.Gln358*) in the SMAD3 gene. It is expected to result in an absent or disrupted protein product. Loss-of-function variants in SMAD3 are known to be pathogenic (PMID: 21778426, 24804794). This variant is not present in population databases (gnomAD no frequency). This variant has not been reported in the literature in individuals affected with SMAD3-related conditions. ClinVar contains an entry for this variant (Variation ID: 3661352). For these reasons, this variant has been classified as Pathogenic.

Literature cited by the submitters: PubMed 21778426; PubMed 24804794.